The following is an entry in ClinVar:

NM_005458.8(GABBR2):c.2488C>T (p.His830Tyr)

Gene: GABBR2 (gamma-aminobutyric acid type B receptor subunit 2; minus strand). Cytogenetic location: 9q22.33.
Variant type: single nucleotide variant.
Coding change: c.2488C>T on transcript NM_005458.8 (MANE Select); coding-DNA position 2488, C replaced by T.
Protein change: p.His830Tyr; replaces histidine 830 with tyrosine.
Molecular consequence: missense variant.
Genome position (GRCh38, 1-based): chr9:98,299,278, G>A on the plus strand (C>T on the coding strand, the complement: GABBR2 is on the minus strand). VCF-style: chr9-98299278-G-A. GRCh37 (hg19) VCF-style: chr9-101061560-G-A.
Other names: short protein forms H830Y.
Identifiers: ClinVar variation 546228 (VCV000546228.2), dbSNP rs766671692, ClinGen allele CA374193542.
Genomic context (GRCh38, chr9:98,299,278, plus strand): 5'-TCTTACCTGTGCTCTCAGTGAAGTTTCCCAGGTTGAGGATGTCATTGAGCTCTTGGTAGT[G>A]GTTCTGTTTAATGTAGGTGGTCTTTTCTGGTGTGTCCTGCAGCTGCATGGTGACCTCTTC-3'
Protein context (NP_005449.5, residues 820-840): PEKTTYIKQN[His830Tyr]YQELNDILNL

ClinVar aggregate classification (germline): Uncertain significance (1 of 4 stars; one submission).

Submission:

GeneDx
Classification: Uncertain significance. Last evaluated: 2018-05-17. Review status: criteria provided, single submitter. Criteria: GeneDx Variant Classification (06012015). Collection method: clinical testing. Allele origin: germline. Affected: yes.
Comment: The H830Y variant in the GABBR2 gene has not been reported previously as a pathogenic variant, nor as a benign variant, to our knowledge. The H830Y variant is not observed in large population cohorts (Lek et al., 2016). The H830Y variant is a non-conservative amino acid substitution, which is likely to impact secondary protein structure as these residues differ in polarity, charge, size and/or other properties. However, in silico analyses, including protein predictors and evolutionary conservation, support that this variant does not alter protein structure/function. We interpret H830Y as a variant of uncertain significance.